The following is an entry in ClinVar:

NM_001257096.2(PAX1):c.1172C>T (p.Pro391Leu)

Gene: PAX1 (paired box 1; plus strand). Cytogenetic location: 20p11.22.
Variant type: single nucleotide variant.
Coding change: c.1172C>T on transcript NM_001257096.2 (MANE Select); coding-DNA position 1172, C replaced by T.
Protein change: p.Pro391Leu; replaces proline 391 with leucine.
Molecular consequence: missense variant.
Genome position (GRCh38, 1-based): chr20:21,709,334, C>T. VCF-style: chr20-21709334-C-T. GRCh37 (hg19) VCF-style: chr20-21689972-C-T.
Other names: c.1172C>T, p.Pro391Leu (NM_006192.5); short protein forms P391L.
Identifiers: ClinVar variation 1410091 (VCV001410091.8), dbSNP rs762948845, ClinGen allele CA408499510.

ClinVar aggregate classification (germline): Uncertain significance (1 of 4 stars; one submission).

Submission:

Labcorp Genetics (formerly Invitae), Labcorp
Classification: Uncertain significance. Last evaluated: 2022-09-19. Review status: criteria provided, single submitter. Criteria: Invitae Variant Classification Sherloc (09022015). Collection method: clinical testing. Allele origin: germline.
Comment: ClinVar contains an entry for this variant (Variation ID: 1410091). This variant has not been reported in the literature in individuals affected with PAX1-related conditions. This variant is not present in population databases (gnomAD no frequency). This sequence change replaces proline, which is neutral and non-polar, with leucine, which is neutral and non-polar, at codon 391 of the PAX1 protein (p.Pro391Leu). Advanced modeling of protein sequence and biophysical properties (such as structural, functional, and spatial information, amino acid conservation, physicochemical variation, residue mobility, and thermodynamic stability) performed at Invitae indicates that this missense variant is not expected to disrupt PAX1 protein function. In summary, the available evidence is currently insufficient to determine the role of this variant in disease. Therefore, it has been classified as a Variant of Uncertain Significance.